The following is an entry in ClinVar:

NM_006580.4(CLDN16):c.289C>G (p.Leu97Val)

Gene: CLDN16 (claudin 16; plus strand). Cytogenetic location: 3q28.
Variant type: single nucleotide variant.
Coding change: c.289C>G on transcript NM_006580.4 (MANE Select); coding-DNA position 289, C replaced by G.
Protein change: p.Leu97Val; replaces leucine 97 with valine.
Molecular consequence: missense variant.
Genome position (GRCh38, 1-based): chr3:190,404,833, C>G. VCF-style: chr3-190404833-C-G. GRCh37 (hg19) VCF-style: chr3-190122622-C-G.
Other names: c.289C>G, p.Leu97Val (NM_001378492.1, NM_001378493.1); short protein forms L97V.
Identifiers: ClinVar variation 2128060 (VCV002128060.4), dbSNP rs2473794865, ClinGen allele CA355766099.

ClinVar aggregate classification (germline): Uncertain significance (1 of 4 stars; one submission).

Submission:

Labcorp Genetics (formerly Invitae), Labcorp
Classification: Uncertain significance. Last evaluated: 2022-04-20. Review status: criteria provided, single submitter. Criteria: Invitae Variant Classification Sherloc (09022015). Collection method: clinical testing. Allele origin: germline.
Comment: This variant has not been reported in the literature in individuals affected with CLDN16-related conditions. This variant is not present in population databases (gnomAD no frequency). This sequence change replaces leucine, which is neutral and non-polar, with valine, which is neutral and non-polar, at codon 167 of the CLDN16 protein (p.Leu167Val). Algorithms developed to predict the effect of missense changes on protein structure and function (SIFT, PolyPhen-2, Align-GVGD) all suggest that this variant is likely to be tolerated. In summary, the available evidence is currently insufficient to determine the role of this variant in disease. Therefore, it has been classified as a Variant of Uncertain Significance.